The following is an entry in ClinVar:

ClinVar aggregate classification (germline): Uncertain significance. Review status: criteria provided, multiple submitters, no conflicts (2 of 4 stars). 2 submissions from 2 submitters: Uncertain significance (2). Last evaluated 2025-04-14.

Conditions:
Inborn genetic diseases. Identifiers: MedGen C0950123, MeSH D030342.

Allele frequency attached by ClinVar (database versions not stated): TOPMed below 0.00001; gnomAD exomes 0.00001.
gnomAD v4.1: 9 of 1,614,008 alleles (0.00056%); highest among the groups gnomAD compares: Middle Eastern, 0.082%; no homozygotes.

Submissions (2):

Labcorp Genetics (formerly Invitae), Labcorp
Classification: Uncertain significance. Last evaluated: 2025-04-14. Review status: criteria provided, single submitter. Criteria: Invitae Variant Classification Sherloc (09022015). Collection method: clinical testing. Allele origin: germline.
Comment: This sequence change replaces threonine, which is neutral and polar, with alanine, which is neutral and non-polar, at codon 191 of the HSPG2 protein (p.Thr191Ala). This variant is not present in population databases (gnomAD no frequency). This variant has not been reported in the literature in individuals affected with HSPG2-related conditions. ClinVar contains an entry for this variant (Variation ID: 1470159). An algorithm developed to predict the effect of missense changes on protein structure and function outputs the following: PolyPhen-2: "Benign". The alanine amino acid residue is found in multiple mammalian species, which suggests that this missense change does not adversely affect protein function. In summary, the available evidence is currently insufficient to determine the role of this variant in disease. Therefore, it has been classified as a Variant of Uncertain Significance.

Ambry Genetics
Classification: Uncertain significance for Inborn genetic diseases. Last evaluated: 2025-03-10. Review status: criteria provided, single submitter. Criteria: Ambry Variant Classification Scheme 2023. Collection method: clinical testing. Allele origin: germline.

NM_005529.7(HSPG2):c.571A>G (p.Thr191Ala)

Gene: HSPG2 (heparan sulfate proteoglycan 2; minus strand). Cytogenetic location: 1p36.12.
Variant type: single nucleotide variant.
Coding change: c.571A>G on transcript NM_005529.7 (MANE Select); coding-DNA position 571, A replaced by G.
Protein change: p.Thr191Ala; replaces threonine 191 with alanine.
Molecular consequence: missense variant.
Genome position (GRCh38, 1-based): chr1:21,889,984, T>C on the plus strand (A>G on the coding strand, the complement: HSPG2 is on the minus strand). VCF-style: chr1-21889984-T-C. GRCh37 (hg19) VCF-style: chr1-22216477-T-C.
Other names: c.571A>G, p.Thr191Ala (NM_001291860.2); c.571A>G (NM_005529.5); short protein forms T191A.
Identifiers: ClinVar variation 1470159 (VCV001470159.9), dbSNP rs1642233719, ClinGen allele CA338895459.
Genomic context (GRCh38, chr1:21,889,984, plus strand): 5'-TGAAAGGGGACCCCACGAGTCTGGAGGAGGCGATCCCAGACACCAGGATAGGCTCACCTG[T>C]GCCCAGGCGTCGGAACTGGAATCCCTGGGGAGAGGTGACGTAGGAGGCCACAGAGCCGCT-3'
Protein context (NP_005520.4, residues 181-201): PQGFQFRRLG[Thr191Ala]VPQFPRACTE